The following is an entry in ClinVar:

ClinVar aggregate classification (germline): Uncertain significance. Review status: reviewed by expert panel (3 of 4 stars). 8 submissions from 8 submitters: Uncertain significance (1). 7 of the submissions do not count toward it. Last evaluated 2025-05-16.

Conditions:
Familial adenomatous polyposis 1 (FAP1). Also called: POLYPOSIS, ADENOMATOUS INTESTINAL; FAMILIAL ADENOMATOUS POLYPOSIS 1, ATTENUATED. Identifiers: MedGen C2713442, MONDO:0021056, OMIM 175100. Disease mechanism: loss of function.
Gastric cancer. Also called: Stomach cancer; Malignant tumor of stomach. Identifiers: MedGen C0024623, MeSH D013274, MONDO:0001056, OMIM 613659, HP:0012126.
Desmoid disease, hereditary (DESMD). Also called: FIBROMATOSIS, FAMILIAL INFILTRATIVE. Identifiers: Orphanet 873, MedGen C1851124, OMIM 135290. Disease mechanism: loss of function.
Hepatocellular carcinoma (HCC). Also called: Primary carcinoma of liver; HEPATOMA; LIVER CELL CARCINOMA. Identifiers: Orphanet 88673, MedGen C2239176, MONDO:0007256, OMIM 114550, HP:0001402.
Colorectal cancer. Also called: Colorectal cancer, somatic; Malignant Colorectal Neoplasm. Identifiers: MedGen C0346629, MONDO:0005575, OMIM 114500.
Gastric adenocarcinoma and proximal polyposis of the stomach (GAPPS). Also called: POLYPOSIS, GASTRIC; Polyposis, gastric, Dos Santos and de Magalhaes 1980; Gastric Adenocarcinoma and Proximal Polyposis of the Stomach (GAPPS). Identifiers: Orphanet 314022, MedGen C4749917, MONDO:0017790, OMIM 619182.
Hereditary cancer-predisposing syndrome. Also called: Neoplastic Syndromes, Hereditary; Tumor predisposition; Hereditary Cancer Syndrome; Hereditary neoplastic syndrome. Identifiers: Orphanet 140162, MedGen C0027672, MeSH D009386, MONDO:0015356.
APC-related disorder. Also called: APC-related condition.

Allele frequency attached by ClinVar (database versions not stated): gnomAD exomes below 0.00001.
gnomAD v4.1: 1 of 1,586,666 alleles (0.000063%); highest among the groups gnomAD compares: Non-Finnish European, 0.000086%; no homozygotes.

Submissions (8):

ClinGen InSiGHT Hereditary Colorectal Cancer/Polyposis Variant Curation Expert Panel
Classification: Uncertain significance for Familial adenomatous polyposis 1. Last evaluated: 2025-05-16. Review status: reviewed by expert panel. Criteria: ClinGen InSiGHT HCCP VCEP ACMG Specifications APC V1. Collection method: curation. Allele origin: germline. Inheritance: Autosomal dominant inheritance.
Comment: The NM_000038.6(APC):c.835-17A>G variant in APC is an intronic variant in intron 8. This variant has been reported in 1 proband with phenotype consistent with APC but not highly specific, resulting in a total phenotype score of 0.5 (PS4 not met) (PMID: 9669663). This variant has been observed in a heterozygous state in three individuals without a colorectal cancer/polyposis associated phenotype worth 1 healthy individual point in total (BS2_Supporting not met; [Invitae and Ambry Genetics]). This variant is absent from gnomAD v2.1.1 (PM2_Supporting). RT-PCR sequencing of cDNA demonstrated that the variant impacts splicing by insertion of the last sixteen nucleotides of intron 7 between exon 7 and 8, adding two novel amino acids and a stop codon at position 281. Even though not quantitative, it is described that "RT-PCR analysis suggested that the abnormal APC RNA molecules are present at low levels as compared to normal APC RNA molecules," the ClinGen InSiGHT Hereditary Colorectal Cancer/Polyposis VCEP (HCCP VCEP) decided to use this result as PS3_Supporting (PMID: 9669663). The results from ≥ 2 in silico splicing predictors (SpliceAI and MaxEntScan) are not conclusive. In summary, this variant is a variant of uncertain significance (VUS) for autosomal-dominant inherited FAP based on the ACMG/AMP criteria applied, as specified by the HCCP VCEP: PM2_Supporting, PS3_Supporting (VCEP specifications version v2.1.0; date of approval 11/24/2023).

Ambry Genetics
Classification: Likely pathogenic for Hereditary cancer-predisposing syndrome. Last evaluated: 2025-07-18. Review status: criteria provided, single submitter. Criteria: Ambry Variant Classification Scheme 2023. Collection method: clinical testing. Allele origin: germline. Not counted in ClinVar's aggregate classification.
Comment: The c.835-17A>G intronic variant results from an A to G substitution 17 nucleotides upstream from coding exon 8 in the APC gene. This variant was reported in individuals with features consistent with APC-related familial adenomatous polyposis (FAP; Pedemonte S et al. Genes Chromosomes Cancer, 1998 Aug;22:257-67, external laboratory communication). However, this variant was also detected as heterozygous in individuals with no reported features of FAP (Ambry internal data). This nucleotide position is well conserved in available vertebrate species. In silico splice site analysis predicts that this alteration may weaken the native splice acceptor site. RNA studies have demonstrated that this alteration results in a splice defect; the clinical impact of this abnormal splicing is unknown at this time (Pedemonte S et al. Genes Chromosomes Cancer, 1998 Aug;22:257-67; Ambry internal data). Of note, this alteration is also designated as 845-17A>G in published literature. This variant is considered to be rare based on population cohorts in the Genome Aggregation Database (gnomAD). Based on the majority of available evidence to date, this variant is likely to be pathogenic. However, this alteration may be associated with an attenuated phenotype and could have reduced penetrance compared to classic FAP. Clinical correlation is advised.

Quest Diagnostics Nichols Institute San Juan Capistrano
Classification: Uncertain significance. Last evaluated: 2025-01-17. Review status: criteria provided, single submitter. Criteria: Quest Diagnostics criteria. Collection method: clinical testing. Allele origin: unknown. Not counted in ClinVar's aggregate classification.
Comment: The APC c.835-17A>G variant has been reported in the published literature in an individual with colorectal adenomas (PMID: 9669663 (1998)), and has been evaluated by the ClinGen-InSiGHT Hereditary Colorectal Cancer/Polyposis Variant Curation Expert Panel (PMID: 38746299 (2024)). A published splicing study showed that this variant causes a splicing defect however, some normal RNA was also produced (PMID: 9669663 (1998)). This variant has not been reported in large, multi-ethnic general populations (Genome Aggregation Database). Analysis of this variant using software algorithms for the prediction of the effect of nucleotide changes on splicing yielded predictions that this variant does not affect APC mRNA splicing. Based on the available information, we are unable to determine the clinical significance of this variant.

Blueprint Genetics
Classification: Likely pathogenic for APC-related disorders. Last evaluated: 2024-08-15. Review status: criteria provided, single submitter. Criteria: ACMG Guidelines, 2015. Collection method: clinical testing. Allele origin: germline. Affected: yes. Observed: 4 variant alleles. Not counted in ClinVar's aggregate classification.

Labcorp Genetics (formerly Invitae), Labcorp
Classification: Uncertain significance for Familial adenomatous polyposis 1. Last evaluated: 2024-08-05. Review status: criteria provided, single submitter. Criteria: Invitae Variant Classification Sherloc (09022015). Collection method: clinical testing. Allele origin: germline. Not counted in ClinVar's aggregate classification.
Comment: This sequence change falls in intron 8 of the APC gene. It does not directly change the encoded amino acid sequence of the APC protein. This variant is not present in population databases (gnomAD no frequency). This variant has been observed in individual(s) with polyposis (PMID: 9669663). ClinVar contains an entry for this variant (Variation ID: 822326). Studies have shown that this variant is associated with inconclusive levels of altered splicing (PMID: 9669663). In summary, the available evidence is currently insufficient to determine the role of this variant in disease. Therefore, it has been classified as a Variant of Uncertain Significance.

Color Diagnostics, LLC DBA Color Health
Classification: Likely pathogenic for Hereditary cancer-predisposing syndrome. Last evaluated: 2024-04-16. Review status: criteria provided, single submitter. Criteria: ACMG Guidelines, 2015. Collection method: clinical testing. Allele origin: germline. Not counted in ClinVar's aggregate classification.
Comment: This variant causes an A to G nucleotide substitution at the -17 position of intron 8 of the APC gene. RT-PCR analysis done using patient RNA has shown this variant results in the insertion of 16 nucleotides of the intron into the coding sequence, resulting in a premature stop signal and truncation (PMID: 9669663, 19196998, 33670833). This variant has been reported in an individual affected with colorectal adenomas who had a family history of colorectal cancer (PMID: 9669663). This variant has not been identified in the general population by the Genome Aggregation Database (gnomAD). Loss of APC function is a known mechanism of disease. Based on the available evidence, this variant is classified as Likely Pathogenic.

Fulgent Genetics
Classification: Pathogenic for Colorectal cancer; Hepatocellular carcinoma; Desmoid disease, hereditary; Familial adenomatous polyposis 1; Gastric cancer; Gastric adenocarcinoma and proximal polyposis of the stomach. Last evaluated: 2021-12-31. Review status: criteria provided, single submitter. Criteria: ACMG Guidelines, 2015. Collection method: clinical testing. Allele origin: unknown. Not counted in ClinVar's aggregate classification.

Department of Pathology and Laboratory Medicine, Sinai Health System
Classification: Likely pathogenic for Colorectal cancer; Hepatocellular carcinoma; Desmoid disease, hereditary; Familial adenomatous polyposis 1; Gastric cancer; Gastric adenocarcinoma and proximal polyposis of the stomach. Review status: criteria provided, single submitter. Criteria: ACMG Guidelines, 2015. Collection method: clinical testing. Allele origin: germline. Not counted in ClinVar's aggregate classification.

Literature cited by the submitters: PubMed 9669663 (cited by 5 submitters); PubMed 38746299 (cited by Quest Diagnostics Nichols Institute San Juan Capistrano); PubMed 19196998 (cited by Color Diagnostics, LLC DBA Color Health); PubMed 33670833 (cited by Color Diagnostics, LLC DBA Color Health).

NM_000038.6(APC):c.835-17A>G

Gene: APC (APC regulator of Wnt signaling pathway; plus strand). Cytogenetic location: 5q22.2.
Variant type: single nucleotide variant.
Coding change: c.835-17A>G on transcript NM_000038.6 (MANE Select); 17 bases into the intron before coding-DNA position 835, A replaced by G.
Molecular consequence: intron variant.
Genome position (GRCh38, 1-based): chr5:112,815,478, A>G. VCF-style: chr5-112815478-A-G. GRCh37 (hg19) VCF-style: chr5-112151175-A-G.
Other names: c.835-17A>G (NM_001354895.2, NM_001127510.3, NM_001354896.2 and 1 more transcripts); c.865-17A>G (NM_001354897.2, NM_001354902.2); c.781-17A>G (NM_001127511.3); c.760-17A>G (NM_001354898.2, NM_001354904.2); c.-15-17A>G (NM_001354906.2); c.751-17A>G (NM_001354899.2); c.658-17A>G (NM_001354900.2, NM_001354901.2, NM_001354905.2).
Identifiers: ClinVar variation 822326 (VCV000822326.13), dbSNP rs1580511131, ClinGen allele CA915943466.